The following is an entry in ClinVar:

ClinVar aggregate classification (germline): Uncertain significance. Review status: criteria provided, multiple submitters, no conflicts (2 of 4 stars). 2 submissions from 2 submitters: Uncertain significance (2). Last evaluated 2025-08-14.

Conditions:
Inborn genetic diseases. Identifiers: MedGen C0950123, MeSH D030342.

Allele frequency attached by ClinVar (database versions not stated): ExAC 0.00001.
gnomAD v4.1: 66 of 1,612,992 alleles (0.0041%); highest among the groups gnomAD compares: Non-Finnish European, 0.0047%; 1 homozygote.

Submissions (2):

Ambry Genetics
Classification: Uncertain significance for Inborn genetic diseases. Last evaluated: 2025-08-14. Review status: criteria provided, single submitter. Criteria: Ambry Variant Classification Scheme 2023. Collection method: clinical testing. Allele origin: germline.

Labcorp Genetics (formerly Invitae), Labcorp
Classification: Uncertain significance. Last evaluated: 2022-03-12. Review status: criteria provided, single submitter. Criteria: Invitae Variant Classification Sherloc (09022015). Collection method: clinical testing. Allele origin: germline.
Comment: This sequence change replaces threonine, which is neutral and polar, with methionine, which is neutral and non-polar, at codon 670 of the PNPLA8 protein (p.Thr670Met). This variant is present in population databases (rs778206359, gnomAD 0.004%). This variant has not been reported in the literature in individuals affected with PNPLA8-related conditions. Algorithms developed to predict the effect of missense changes on protein structure and function are either unavailable or do not agree on the potential impact of this missense change (SIFT: "Deleterious"; PolyPhen-2: "Benign"; Align-GVGD: "Class C0"). Algorithms developed to predict the effect of sequence changes on RNA splicing suggest that this variant may disrupt the consensus splice site. In summary, the available evidence is currently insufficient to determine the role of this variant in disease. Therefore, it has been classified as a Variant of Uncertain Significance.

NM_001256007.3(PNPLA8):c.2009C>T (p.Thr670Met)

Gene: PNPLA8 (patatin like domain 8, phospholipase A2; minus strand). Cytogenetic location: 7q31.1.
Variant type: single nucleotide variant.
Coding change: c.2009C>T on transcript NM_001256007.3 (MANE Select); coding-DNA position 2009, C replaced by T.
Protein change: p.Thr670Met; replaces threonine 670 with methionine.
Molecular consequence: missense variant.
Genome position (GRCh38, 1-based): chr7:108,479,249, G>A on the plus strand (C>T on the coding strand, the complement: PNPLA8 is on the minus strand). VCF-style: chr7-108479249-G-A. GRCh37 (hg19) VCF-style: chr7-108119693-G-A.
Other names: c.2009C>T (NM_015723.2); c.2009C>T, p.Thr670Met (NM_001256008.3, NM_015723.5); c.1823C>T, p.Thr608Met (NM_001256009.3); c.1709C>T, p.Thr570Met (NM_001256010.3, NM_001256011.3); short protein forms T608M, T570M, T670M.
Identifiers: ClinVar variation 2077598 (VCV002077598.4), dbSNP rs778206359, ClinGen allele CA4439404.